The following is an entry in ClinVar:

ClinVar aggregate classification (germline): Uncertain significance (1 of 4 stars; one submission).

Allele frequency attached by ClinVar (database versions not stated): gnomAD exomes below 0.00001; ExAC 0.00001.
gnomAD v4.1: 3 of 1,614,182 alleles (0.00019%); highest among the groups gnomAD compares: Admixed American, 0.0033%; no homozygotes.

Submission:

Labcorp Genetics (formerly Invitae), Labcorp
Classification: Uncertain significance. Last evaluated: 2022-03-29. Review status: criteria provided, single submitter. Criteria: Invitae Variant Classification Sherloc (09022015). Collection method: clinical testing. Allele origin: germline.
Comment: This sequence change replaces phenylalanine, which is neutral and non-polar, with cysteine, which is neutral and slightly polar, at codon 706 of the TUBGCP6 protein (p.Phe706Cys). This variant is present in population databases (rs757953659, gnomAD 0.006%). This variant has not been reported in the literature in individuals affected with TUBGCP6-related conditions. Algorithms developed to predict the effect of missense changes on protein structure and function are either unavailable or do not agree on the potential impact of this missense change (SIFT: "Deleterious"; PolyPhen-2: "Probably Damaging"; Align-GVGD: "Class C0"). In summary, the available evidence is currently insufficient to determine the role of this variant in disease. Therefore, it has been classified as a Variant of Uncertain Significance.

NM_020461.4(TUBGCP6):c.2117T>G (p.Phe706Cys)

Gene: TUBGCP6 (tubulin gamma complex component 6; minus strand). Cytogenetic location: 22q13.33.
Variant type: single nucleotide variant.
Coding change: c.2117T>G on transcript NM_020461.4 (MANE Select); coding-DNA position 2117, T replaced by G.
Protein change: p.Phe706Cys; replaces phenylalanine 706 with cysteine.
Molecular consequence: missense variant.
Genome position (GRCh38, 1-based): chr22:50,224,369, A>C on the plus strand (T>G on the coding strand, the complement: TUBGCP6 is on the minus strand). VCF-style: chr22-50224369-A-C. GRCh37 (hg19) VCF-style: chr22-50662798-A-C.
Other names: short protein forms F706C.
Identifiers: ClinVar variation 1898277 (VCV001898277.2), dbSNP rs757953659, ClinGen allele CA10308345.